The following is an entry in ClinVar:

ClinVar aggregate classification (germline): Likely benign. Review status: criteria provided, single submitter (1 of 4 stars). 2 submissions from 2 submitters: Likely benign (1). 1 of the submissions does not count toward it. Last evaluated 2023-12-19.

Conditions:
CPT1C-related disorder. Also called: CPT1C-related condition.
Hereditary spastic paraplegia 73. Also called: Spastic paraplegia 73, autosomal dominant. Identifiers: Orphanet 444099, MedGen C5568981, MONDO:0014568, OMIM 616282.

gnomAD v4.1: 104 of 1,613,108 alleles (0.0064%); highest among the groups gnomAD compares: Middle Eastern, 0.099%; 1 homozygote.

Submissions (2):

Labcorp Genetics (formerly Invitae), Labcorp
Classification: Likely benign for Hereditary spastic paraplegia 73. Last evaluated: 2023-12-19. Review status: criteria provided, single submitter. Criteria: Invitae Variant Classification Sherloc (09022015). Collection method: clinical testing. Allele origin: germline.

PreventionGenetics, part of Exact Sciences
Classification: Likely benign for CPT1C-related condition. Last evaluated: 2019-07-10. Review status: no assertion criteria provided. Collection method: clinical testing. Allele origin: germline. Not counted in ClinVar's aggregate classification.
Comment: This variant is classified as likely benign based on ACMG/AMP sequence variant interpretation guidelines (Richards et al. 2015 PMID: 25741868, with internal and published modifications).

NM_001199753.2(CPT1C):c.420C>T (p.His140=)

Gene: CPT1C (carnitine palmitoyltransferase 1C; plus strand). Cytogenetic location: 19q13.33.
Variant type: single nucleotide variant.
Coding change: c.420C>T on transcript NM_001199753.2 (MANE Select); coding-DNA position 420, C replaced by T.
Protein change: p.His140=; no amino-acid change (histidine 140 retained).
Molecular consequence: synonymous variant. On other transcripts: non-coding transcript variant (1).
Genome position (GRCh38, 1-based): chr19:49,700,822, C>T. VCF-style: chr19-49700822-C-T. GRCh37 (hg19) VCF-style: chr19-50204079-C-T.
Other names: c.420C>T (NM_001136052.2); c.420C>T, p.His140= (NM_001136052.3, NM_001199752.3, NM_001378482.1 and 7 more transcripts).
Identifiers: ClinVar variation 2835901 (VCV002835901.5), dbSNP rs549984351, ClinGen allele CA9581784.